The following is an entry in ClinVar:

NM_199420.4(POLQ):c.961G>A (p.Gly321Arg)

Gene: POLQ (DNA polymerase theta; minus strand). Cytogenetic location: 3q13.33.
Variant type: single nucleotide variant.
Coding change: c.961G>A on transcript NM_199420.4 (MANE Select); coding-DNA position 961, G replaced by A.
Protein change: p.Gly321Arg; replaces glycine 321 with arginine.
Molecular consequence: missense variant.
Genome position (GRCh38, 1-based): chr3:121,529,792, C>T on the plus strand (G>A on the coding strand, the complement: POLQ is on the minus strand). VCF-style: chr3-121529792-C-T. GRCh37 (hg19) VCF-style: chr3-121248639-C-T.
Other names: short protein forms G321R.
Identifiers: ClinVar variation 2497149 (VCV002497149.2), dbSNP rs192104287, ClinGen allele CA2563672.
Genomic context (GRCh38, chr3:121,529,792, plus strand): 5'-ATACTGAATGGTTATCACAAATCGTCTCATAACATAAACTAACAACATGGTCCTCATCTC[C>T]CTAAAACAGAAAGATAAATAACCACTTTAGTGGTCCTTTCAAAAGATTCTCACATCAGTT-3'
Protein context (NP_955452.3, residues 311-331): REFEPMLQVK[Gly321Arg]DEDHVVSLCY

ClinVar aggregate classification (germline): Uncertain significance (1 of 4 stars; one submission).

Allele frequency attached by ClinVar (database versions not stated): gnomAD exomes 0.00001; TOPMed 0.00002; ExAC 0.00003; gnomAD 0.00003; 1000 Genomes Project 30x 0.00016; 1000 Genomes Project 0.00020.
gnomAD v4.1: 14 of 1,601,638 alleles (0.00087%); highest among the groups gnomAD compares: East Asian, 0.025%; no homozygotes.

Submission:

Ambry Genetics
Classification: Uncertain significance. Last evaluated: 2022-12-12. Review status: criteria provided, single submitter. Criteria: Ambry Variant Classification Scheme 2023. Collection method: clinical testing. Allele origin: germline.
Comment: The p.G321R variant (also known as c.961G>A) is located in coding exon 7 of the POLQ gene. The glycine at codon 321 is replaced by arginine, an amino acid with dissimilar properties. This change occurs in the first base pair of coding exon 7. This amino acid position is conserved. In addition, this alteration is predicted to be tolerated by in silico analysis. Since supporting evidence is limited at this time, the clinical significance of this alteration remains unclear.